The following is an entry in ClinVar:

NM_006031.6(PCNT):c.3669T>G (p.Ser1223=)

Gene: PCNT (pericentrin; plus strand). Cytogenetic location: 21q22.3.
Variant type: single nucleotide variant.
Coding change: c.3669T>G on transcript NM_006031.6 (MANE Select); coding-DNA position 3669, T replaced by G.
Protein change: p.Ser1223=; no amino-acid change (serine 1223 retained).
Molecular consequence: synonymous variant.
Genome position (GRCh38, 1-based): chr21:46,389,260, T>G. VCF-style: chr21-46389260-T-G. GRCh37 (hg19) VCF-style: chr21-47809175-T-G.
Other names: c.3315T>G, p.Ser1105= (NM_001315529.2).
Identifiers: ClinVar variation 3054432 (VCV003054432.2), dbSNP rs1289327593, ClinGen allele CA513173663.

ClinVar aggregate classification (germline): Likely benign (0 of 4 stars; one submission).

Conditions:
PCNT-related disorder. Also called: PCNT-related condition.

Allele frequency attached by ClinVar (database versions not stated): TOPMed below 0.00001; gnomAD 0.00001; gnomAD exomes 0.00001.
gnomAD v4.1: 6 of 1,614,118 alleles (0.00037%); highest among the groups gnomAD compares: Non-Finnish European, 0.00051%; no homozygotes.

Submission:

PreventionGenetics, part of Exact Sciences
Classification: Likely benign for PCNT-related condition. Last evaluated: 2024-02-16. Review status: no assertion criteria provided. Collection method: clinical testing. Allele origin: germline.
Comment: This variant is classified as likely benign based on ACMG/AMP sequence variant interpretation guidelines (Richards et al. 2015 PMID: 25741868, with internal and published modifications).